The following is an entry in ClinVar:

ClinVar aggregate classification (germline): Conflicting classifications of pathogenicity. Review status: criteria provided, conflicting classifications (1 of 4 stars). 2 submissions from 2 submitters: Uncertain significance (1); Likely benign (1). Last evaluated 2026-07-30.

Conditions:
Tuberous sclerosis syndrome (TSC). Also called: Tuberous Sclerosis Complex; Tuberous sclerosis. Identifiers: Orphanet 805, MedGen C0041341, MONDO:0001734.
Hereditary cancer-predisposing syndrome. Also called: Tumor predisposition; Hereditary Cancer Syndrome; Neoplastic Syndromes, Hereditary; Hereditary neoplastic syndrome. Identifiers: Orphanet 140162, MedGen C0027672, MeSH D009386, MONDO:0015356.

Submissions (2):

Ambry Genetics
Classification: Likely benign for Hereditary cancer-predisposing syndrome. Last evaluated: 2026-07-30. Review status: criteria provided, single submitter. Criteria: Ambry Variant Classification Scheme 2023. Collection method: clinical testing. Allele origin: germline.

All of Us Research Program, National Institutes of Health
Classification: Uncertain significance for Tuberous sclerosis syndrome. Last evaluated: 2023-11-30. Review status: criteria provided, single submitter. Criteria: ACMG Guidelines, 2015. Collection method: clinical testing. Allele origin: germline. Inheritance: Autosomal dominant inheritance. Observed: 1 variant allele, 1 heterozygote.
Comment: This study involves interpretation of variants in research participants for the purpose of population health screening. Participant phenotype was not available at the time of variant classification. Additional details can be found in publication PMID: 35346344, PMCID: PMC8962531

NM_000368.5(TSC1):c.3158A>C (p.His1053Pro)

Gene: TSC1 (TSC complex subunit 1; minus strand). Cytogenetic location: 9q34.13.
Variant type: single nucleotide variant.
Coding change: c.3158A>C on transcript NM_000368.5 (MANE Select); coding-DNA position 3158, A replaced by C.
Protein change: p.His1053Pro; replaces histidine 1053 with proline.
Molecular consequence: missense variant. On other transcripts: non-coding transcript variant (5).
Genome position (GRCh38, 1-based): chr9:132,896,572, T>G on the plus strand (A>C on the coding strand, the complement: TSC1 is on the minus strand). VCF-style: chr9-132896572-T-G. GRCh37 (hg19) VCF-style: chr9-135771959-T-G.
Other names: c.3155A>C, p.His1052Pro (NM_001162426.2, NM_001406597.1, NM_001406598.1 and 2 more transcripts); c.3005A>C, p.His1002Pro (NM_001162427.2, NM_001406610.1); c.2795A>C, p.His932Pro (NM_001362177.2, NM_001406614.1, NM_001406615.1 and 4 more transcripts); c.3158A>C, p.His1053Pro (NM_001406592.1, NM_001406593.1, NM_001406594.1 and 2 more transcripts); c.3116A>C, p.His1039Pro (NM_001406606.1, NM_001406607.1, NM_001406605.1); c.3113A>C, p.His1038Pro (NM_001406608.1, NM_001406609.1); c.3002A>C, p.His1001Pro (NM_001406611.1, NM_001406612.1); c.2960A>C, p.His987Pro (NM_001406613.1); and 8 more; short protein forms H1001P, H1002P, H1038P, H1039P, H1047P, H1048P, H1052P, H1053P.
Identifiers: ClinVar variation 3073940 (VCV003073940.3), dbSNP rs1309531545, ClinGen allele CA375367209.